The following is an entry in ClinVar:

ClinVar aggregate classification (germline): Uncertain significance. Review status: criteria provided, multiple submitters, no conflicts (2 of 4 stars). 2 submissions from 2 submitters: Uncertain significance (2). Last evaluated 2026-08-12.

Conditions:
Hereditary cancer-predisposing syndrome. Also called: Neoplastic Syndromes, Hereditary; Hereditary Cancer Syndrome; Tumor predisposition; Hereditary neoplastic syndrome. Identifiers: Orphanet 140162, MedGen C0027672, MeSH D009386, MONDO:0015356.
Ataxia-telangiectasia syndrome (AT). Also called: Cerebello-oculocutaneous telangiectasia; Immunodeficiency with ataxia telangiectasia; LOUIS-BAR SYNDROME; Ataxia-telangiectasia, complementation group E; Ataxia-telangiectasia; ATAXIA-TELANGIECTASIA, COMPLEMENTATION GROUP A. Identifiers: Orphanet 100, MedGen C0004135, MONDO:0008840, OMIM 208900.

Submissions (2):

Ambry Genetics
Classification: Uncertain significance for Hereditary cancer-predisposing syndrome. Last evaluated: 2026-08-12. Review status: criteria provided, single submitter. Criteria: Ambry Variant Classification Scheme 2023. Collection method: clinical testing. Allele origin: germline.
Comment: The p.F283L variant (also known as c.849T>A), located in coding exon 6 of the ATM gene, results from a T to A substitution at nucleotide position 849. The phenylalanine at codon 283 is replaced by leucine, an amino acid with highly similar properties. In an assay testing ATM function, this variant showed a functionally abnormal result (Lee KS et al. Cell, 2025 Sep;188:5081-5099.e27). This amino acid position is highly conserved in available vertebrate species. In addition, this alteration is predicted to be tolerated by in silico analysis. Based on the available evidence, the clinical significance of this variant remains unclear.

Labcorp Genetics (formerly Invitae), Labcorp
Classification: Uncertain significance for Ataxia-telangiectasia syndrome. Last evaluated: 2022-01-27. Review status: criteria provided, single submitter. Criteria: Invitae Variant Classification Sherloc (09022015). Collection method: clinical testing. Allele origin: germline.
Comment: This sequence change replaces phenylalanine, which is neutral and non-polar, with leucine, which is neutral and non-polar, at codon 283 of the ATM protein (p.Phe283Leu). This variant is not present in population databases (gnomAD no frequency). This variant has not been reported in the literature in individuals affected with ATM-related conditions. ClinVar contains an entry for this variant (Variation ID: 407584). Advanced modeling of protein sequence and biophysical properties (such as structural, functional, and spatial information, amino acid conservation, physicochemical variation, residue mobility, and thermodynamic stability) performed at Invitae indicates that this missense variant is not expected to disrupt ATM protein function. In summary, the available evidence is currently insufficient to determine the role of this variant in disease. Therefore, it has been classified as a Variant of Uncertain Significance.

Literature cited by the submitters: PubMed 40580951 (cited by Ambry Genetics).

NM_000051.4(ATM):c.849T>A (p.Phe283Leu)

Gene: ATM (ATM serine/threonine kinase; plus strand). Cytogenetic location: 11q22.3.
Variant type: single nucleotide variant.
Coding change: c.849T>A on transcript NM_000051.4 (MANE Select); coding-DNA position 849, T replaced by A.
Protein change: p.Phe283Leu; replaces phenylalanine 283 with leucine.
Molecular consequence: missense variant.
Genome position (GRCh38, 1-based): chr11:108,244,974, T>A. VCF-style: chr11-108244974-T-A. GRCh37 (hg19) VCF-style: chr11-108115701-T-A.
Other names: c.849T>A, p.Phe283Leu (NM_001351834.2); short protein forms F283L.
Identifiers: ClinVar variation 407584 (VCV000407584.9), dbSNP rs1060501617, ClinGen allele CA16612975.